The following is an entry in ClinVar:

ClinVar aggregate classification (germline): Uncertain significance (1 of 4 stars; one submission).

Conditions:
Familial temporal lobe epilepsy 7. Identifiers: Orphanet 101046, MedGen C4225327, MONDO:0014639, OMIM 616436.
Norman-Roberts syndrome (LIS2). Also called: Lissencephaly 2 (Norman-Roberts type). Identifiers: Orphanet 89844, MedGen C0796089, MONDO:0009760, OMIM 257320.

gnomAD v4.1: 1 of 1,614,150 alleles (0.000062%); highest among the groups gnomAD compares: Non-Finnish European, 0.000085%; no homozygotes.

Submission:

Labcorp Genetics (formerly Invitae), Labcorp
Classification: Uncertain significance for Familial temporal lobe epilepsy 7; Norman-Roberts syndrome. Last evaluated: 2024-05-21. Review status: criteria provided, single submitter. Criteria: Invitae Variant Classification Sherloc (09022015). Collection method: clinical testing. Allele origin: germline.
Comment: This sequence change replaces isoleucine, which is neutral and non-polar, with valine, which is neutral and non-polar, at codon 1423 of the RELN protein (p.Ile1423Val). This variant is not present in population databases (gnomAD no frequency). This variant has not been reported in the literature in individuals affected with RELN-related conditions. Advanced modeling of protein sequence and biophysical properties (such as structural, functional, and spatial information, amino acid conservation, physicochemical variation, residue mobility, and thermodynamic stability) performed at Invitae indicates that this missense variant is not expected to disrupt RELN protein function with a negative predictive value of 80%. In summary, the available evidence is currently insufficient to determine the role of this variant in disease. Therefore, it has been classified as a Variant of Uncertain Significance.

NM_005045.4(RELN):c.4267A>G (p.Ile1423Val)

Gene: RELN (reelin; minus strand). Cytogenetic location: 7q22.1.
Variant type: single nucleotide variant.
Coding change: c.4267A>G on transcript NM_005045.4 (MANE Select); coding-DNA position 4267, A replaced by G.
Protein change: p.Ile1423Val; replaces isoleucine 1423 with valine.
Molecular consequence: missense variant.
Genome position (GRCh38, 1-based): chr7:103,575,584, T>C on the plus strand (A>G on the coding strand, the complement: RELN is on the minus strand). VCF-style: chr7-103575584-T-C. GRCh37 (hg19) VCF-style: chr7-103216031-T-C.
Other names: c.4267A>G, p.Ile1423Val (NM_173054.3); short protein forms I1423V.
Identifiers: ClinVar variation 3756471 (VCV003756471.2).